The following is an entry in ClinVar:

ClinVar aggregate classification (germline): Likely benign. Review status: criteria provided, multiple submitters, no conflicts (2 of 4 stars). 3 submissions from 3 submitters: Likely benign (3). Last evaluated 2026-07-01.

Allele frequency attached by ClinVar (database versions not stated): 1000 Genomes Project 30x 0.00062; gnomAD 0.00214; TOPMed 0.00219; gnomAD exomes 0.00389.
gnomAD v4.1: 4,267 of 1,177,622 alleles (0.36%); highest among the groups gnomAD compares: Non-Finnish European, 0.42%; 9 homozygotes.

Submissions (3):

CeGaT Center for Human Genetics Tuebingen
Classification: Likely benign. Last evaluated: 2026-07-01. Review status: criteria provided, single submitter. Criteria: CeGaT Center For Human Genetics Tuebingen Variant Classification Criteria Version 2. Collection method: clinical testing. Allele origin: germline. Affected: yes. Observed: 3 variant alleles.
Comment: SLC44A1: BP4, BP7

Mayo Clinic Laboratories, Mayo Clinic
Classification: Likely benign. Last evaluated: 2025-11-23. Review status: criteria provided, single submitter. Criteria: ACMG Guidelines, 2015. Collection method: clinical testing. Allele origin: germline. Observed: 2 variant alleles.
Comment: BS2, BP4, BP7

Blueprint Genetics
Classification: Likely benign. Last evaluated: 2024-11-17. Review status: criteria provided, single submitter. Criteria: ACMG Guidelines, 2015. Collection method: clinical testing. Allele origin: germline.

NM_080546.5(SLC44A1):c.21C>T (p.Ala7=)

Gene: SLC44A1 (solute carrier family 44 member 1; plus strand). Cytogenetic location: 9q31.1.
Variant type: single nucleotide variant.
Coding change: c.21C>T on transcript NM_080546.5 (MANE Select); coding-DNA position 21, C replaced by T.
Protein change: p.Ala7=; no amino-acid change (alanine 7 retained).
Molecular consequence: synonymous variant.
Genome position (GRCh38, 1-based): chr9:105,244,889, C>T. VCF-style: chr9-105244889-C-T. GRCh37 (hg19) VCF-style: chr9-108007170-C-T.
Other names: p.Ala7=; c.21C>T, p.Ala7= (NM_001286730.2, NM_001330731.2).
Identifiers: ClinVar variation 2659359 (VCV002659359.26), dbSNP rs1008490493, ClinGen allele CA198204608.